The following is an entry in ClinVar:

NM_001854.4(COL11A1):c.2754+10A>G

Gene: COL11A1 (collagen type XI alpha 1 chain; minus strand). Cytogenetic location: 1p21.1.
Variant type: single nucleotide variant.
Coding change: c.2754+10A>G on transcript NM_001854.4 (MANE Select); 10 bases into the intron after coding-DNA position 2754, A replaced by G.
Molecular consequence: intron variant.
Genome position (GRCh38, 1-based): chr1:102,978,698, T>C on the plus strand (A>G on the coding strand, the complement: COL11A1 is on the minus strand). VCF-style: chr1-102978698-T-C. GRCh37 (hg19) VCF-style: chr1-103444254-T-C.
Other names: c.2637+10A>G (NM_001190709.2); c.2790+10A>G (NM_080629.3); c.2406+10A>G (NM_080630.4).
Identifiers: ClinVar variation 1491779 (VCV001491779.6), dbSNP rs2101678680, ClinGen allele CA2573130475.

ClinVar aggregate classification (germline): Uncertain significance (1 of 4 stars; one submission).

Submission:

Labcorp Genetics (formerly Invitae), Labcorp
Classification: Uncertain significance. Last evaluated: 2025-03-17. Review status: criteria provided, single submitter. Criteria: Invitae Variant Classification Sherloc (09022015). Collection method: clinical testing. Allele origin: germline.
Comment: This sequence change falls in intron 35 of the COL11A1 gene. It does not directly change the encoded amino acid sequence of the COL11A1 protein. This variant is not present in population databases (gnomAD no frequency). This variant has not been reported in the literature in individuals affected with COL11A1-related conditions. ClinVar contains an entry for this variant (Variation ID: 1491779). Algorithms developed to predict the effect of sequence changes on RNA splicing suggest that this variant may create or strengthen a splice site. In summary, the available evidence is currently insufficient to determine the role of this variant in disease. Therefore, it has been classified as a Variant of Uncertain Significance.